The following is an entry in ClinVar:

ClinVar aggregate classification (germline): Uncertain significance (1 of 4 stars; one submission).

Conditions:
Cohen syndrome (COH1). Also called: Cutis verticis gyrata, retinitis pigmentosa, and sensorineural deafness; PEPPER SYNDROME. Identifiers: Orphanet 193, MedGen C0265223, MONDO:0008999, OMIM 216550.

Submission:

Labcorp Genetics (formerly Invitae), Labcorp
Classification: Uncertain significance for Cohen syndrome. Last evaluated: 2024-01-02. Review status: criteria provided, single submitter. Criteria: Invitae Variant Classification Sherloc (09022015). Collection method: clinical testing. Allele origin: germline.
Comment: This sequence change falls in intron 6 of the VPS13B gene. It does not directly change the encoded amino acid sequence of the VPS13B protein. Information on the frequency of this variant in the gnomAD database is not available, as this variant may be reported differently in the database. This variant has not been reported in the literature in individuals affected with VPS13B-related conditions. Experimental studies and prediction algorithms are not available or were not evaluated, and the effect of this variant on mRNA splicing is currently unknown. In summary, the available evidence is currently insufficient to determine the role of this variant in disease. Therefore, it has been classified as a Variant of Uncertain Significance.

NM_152564.5(VPS13B):c.762+20_762+21delinsAA

Gene: VPS13B (vacuolar protein sorting 13 homolog B; plus strand). Cytogenetic location: 8q22.2.
Variant type: Indel.
Coding change: c.762+20_762+21delinsAA on transcript NM_152564.5 (MANE Select); bases 20 to 21 of the intron after coding-DNA position 762, GC replaced by AA.
Molecular consequence: intron variant.
Genome position (GRCh38, 1-based): chr8:99,111,299-99,111,300, GC replaced by AA. VCF-style: chr8-99111299-GC-AA. GRCh37 (hg19) VCF-style: chr8-100123527-GC-AA.
Other names: c.762+20_762+21delinsAA (NM_017890.5, NM_015243.3, NM_181661.3).
Identifiers: ClinVar variation 2706978 (VCV002706978.3), dbSNP rs2488672925, ClinGen allele CA2697550059.
Genomic context (GRCh38, chr8:99,111,299, plus strand): 5'-CATATGAAAACCTAAATTCCAAGATGCCATCTGTTATTAAAGTAGGTATCTCTTTTTTTT[GC>AA]AGTTAAGTTGCATGTCTTTATTTTGTTTATTGACTCTTGTGGATGCTAATCATTATTAAC-3'